The following is an entry in ClinVar:

ClinVar aggregate classification (germline): Uncertain significance. Review status: criteria provided, multiple submitters, no conflicts (2 of 4 stars). 2 submissions from 2 submitters: Uncertain significance (2). Last evaluated 2025-12-16.

Conditions:
Hereditary cancer-predisposing syndrome. Also called: Neoplastic Syndromes, Hereditary; Tumor predisposition; Hereditary Cancer Syndrome; Hereditary neoplastic syndrome. Identifiers: Orphanet 140162, MedGen C0027672, MeSH D009386, MONDO:0015356.
Familial cancer of breast. Also called: BREAST CANCER, FAMILIAL; Hereditary breast cancer; hereditary breast carcinoma. Identifiers: Orphanet 227535, MedGen C0346153, MONDO:0016419, OMIM 114480. Disease mechanism: loss of function.

Allele frequency attached by ClinVar (database versions not stated): gnomAD exomes below 0.00001.
gnomAD v4.1: 3 of 1,614,242 alleles (0.00019%); highest among the groups gnomAD compares: Non-Finnish European, 0.00025%; no homozygotes.

Submissions (2):

Labcorp Genetics (formerly Invitae), Labcorp
Classification: Uncertain significance for Familial cancer of breast. Last evaluated: 2025-12-16. Review status: criteria provided, single submitter. Criteria: Invitae Variant Classification Sherloc (09022015). Collection method: clinical testing. Allele origin: germline.
Comment: This sequence change replaces cysteine, which is neutral and slightly polar, with arginine, which is basic and polar, at codon 733 of the BARD1 protein (p.Cys733Arg). This variant is not present in population databases (gnomAD no frequency). This missense change has been observed in individual(s) with breast cancer (PMID: 31036035). ClinVar contains an entry for this variant (Variation ID: 820870). An algorithm developed to predict the effect of missense changes on protein structure and function (PolyPhen-2) suggests that this variant is likely to be disruptive. In summary, the available evidence is currently insufficient to determine the role of this variant in disease. Therefore, it has been classified as a Variant of Uncertain Significance.

Ambry Genetics
Classification: Uncertain significance for Hereditary cancer-predisposing syndrome. Last evaluated: 2024-09-22. Review status: criteria provided, single submitter. Criteria: Ambry Variant Classification Scheme 2023. Collection method: clinical testing. Allele origin: germline.
Comment: The p.C733R variant (also known as c.2197T>C), located in coding exon 11 of the BARD1 gene, results from a T to C substitution at nucleotide position 2197. The cysteine at codon 733 is replaced by arginine, an amino acid with highly dissimilar properties. This alteration has been reported in 1/4469 breast cancer patients and was not observed in 2767 control individuals (Weber-Lassalle N et al. Breast Cancer Res, 2019 04;21:55). This amino acid position is highly conserved in available vertebrate species. In addition, this alteration is predicted to be deleterious by in silico analysis. Based on the available evidence, the clinical significance of this variant remains unclear.

Literature cited by the submitters: PubMed 31036035 (cited by Labcorp Genetics (formerly Invitae), Labcorp and Ambry Genetics).

NM_000465.4(BARD1):c.2197T>C (p.Cys733Arg)

Gene: BARD1 (BRCA1 associated RING domain 1; minus strand). Cytogenetic location: 2q35.
Variant type: single nucleotide variant.
Coding change: c.2197T>C on transcript NM_000465.4 (MANE Select); coding-DNA position 2197, T replaced by C.
Protein change: p.Cys733Arg; replaces cysteine 733 with arginine.
Molecular consequence: missense variant. On other transcripts: non-coding transcript variant (3).
Genome position (GRCh38, 1-based): chr2:214,728,813, A>G on the plus strand (T>C on the coding strand, the complement: BARD1 is on the minus strand). VCF-style: chr2-214728813-A-G. GRCh37 (hg19) VCF-style: chr2-215593537-A-G.
Other names: c.2140T>C, p.Cys714Arg (NM_001282543.2); c.844T>C, p.Cys282Arg (NM_001282545.2); c.787T>C, p.Cys263Arg (NM_001282548.2); c.658T>C, p.Cys220Arg (NM_001282549.2); short protein forms C263R, C220R, C714R, C282R, C733R.
Identifiers: ClinVar variation 820870 (VCV000820870.14), dbSNP rs977584514, ClinGen allele CA64792709.
Genomic context (GRCh38, chr2:214,728,813, plus strand): 5'-CCTGCCGAACCCTCTCTGGGTGATAATTACACAAATCTTCATAGATGATATACTGTGTGC[A>G]GAAGCGCTGATCAGAATCGGGTCTCGCATGGTATGCGACTGTATTGATGGTCTGAGTCAC-3'
Protein context (NP_000456.2, residues 723-743): HARPDSDQRF[Cys733Arg]TQYIIYEDLC